The following is an entry in ClinVar:

NM_033305.3(VPS13A):c.3988A>G (p.Thr1330Ala)

Gene: VPS13A (vacuolar protein sorting 13 homolog A; plus strand). Cytogenetic location: 9q21.2.
Variant type: single nucleotide variant.
Coding change: c.3988A>G on transcript NM_033305.3 (MANE Select); coding-DNA position 3988, A replaced by G.
Protein change: p.Thr1330Ala; replaces threonine 1330 with alanine.
Molecular consequence: missense variant.
Genome position (GRCh38, 1-based): chr9:77,307,972, A>G. VCF-style: chr9-77307972-A-G. GRCh37 (hg19) VCF-style: chr9-79922888-A-G.
Other names: c.3871A>G, p.Thr1291Ala (NM_001018037.2); c.3988A>G, p.Thr1330Ala (NM_001018038.3, NM_015186.4); short protein forms T1330A, T1291A.
Identifiers: ClinVar variation 1950886 (VCV001950886.5), dbSNP rs2537953040, ClinGen allele CA373853248.

ClinVar aggregate classification (germline): Uncertain significance (1 of 4 stars; one submission).

Allele frequency attached by ClinVar (database versions not stated): gnomAD exomes below 0.00001.
gnomAD v4.1: 6 of 1,599,040 alleles (0.00038%); highest among the groups gnomAD compares: South Asian, 0.0022%; no homozygotes.

Submission:

Labcorp Genetics (formerly Invitae), Labcorp
Classification: Uncertain significance. Last evaluated: 2022-08-12. Review status: criteria provided, single submitter. Criteria: Invitae Variant Classification Sherloc (09022015). Collection method: clinical testing. Allele origin: germline.
Comment: In summary, the available evidence is currently insufficient to determine the role of this variant in disease. Therefore, it has been classified as a Variant of Uncertain Significance. Algorithms developed to predict the effect of missense changes on protein structure and function (SIFT, PolyPhen-2, Align-GVGD) all suggest that this variant is likely to be tolerated. This variant has not been reported in the literature in individuals affected with VPS13A-related conditions. This variant is not present in population databases (gnomAD no frequency). This sequence change replaces threonine, which is neutral and polar, with alanine, which is neutral and non-polar, at codon 1330 of the VPS13A protein (p.Thr1330Ala).